The following is an entry in ClinVar:

NM_000093.5(COL5A1):c.1164+94C>T

Gene: COL5A1 (collagen type V alpha 1 chain; plus strand). Cytogenetic location: 9q34.3.
Variant type: single nucleotide variant.
Coding change: c.1164+94C>T on transcript NM_000093.5 (MANE Select); 94 bases into the intron after coding-DNA position 1164, C replaced by T.
Molecular consequence: intron variant.
Genome position (GRCh38, 1-based): chr9:134,730,569, C>T. VCF-style: chr9-134730569-C-T. GRCh37 (hg19) VCF-style: chr9-137622415-C-T.
Other names: c.1164+94C>T (NM_001278074.1).
Identifiers: ClinVar variation 675288 (VCV000675288.2), dbSNP rs113401160, ClinGen allele CA201108344.

ClinVar aggregate classification (germline): Likely benign. Review status: criteria provided, multiple submitters, no conflicts (2 of 4 stars). 2 submissions from 2 submitters: Likely benign (2). Last evaluated 2018-06-19.

Allele frequency attached by ClinVar (database versions not stated): 1000 Genomes Project 30x 0.01218; 1000 Genomes Project 0.01298; TOPMed 0.01980; gnomAD 0.02116 and 0.02154.
gnomAD v4.1: 39,931 of 1,567,352 alleles (2.5%); highest among the groups gnomAD compares: Middle Eastern, 6.1%; 586 homozygotes.

Submissions (2):

GeneDx
Classification: Likely benign. Last evaluated: 2018-06-19. Review status: criteria provided, single submitter. Criteria: GeneDx Variant Classification (06012015). Collection method: clinical testing. Allele origin: germline. Affected: yes.
Comment: This variant is considered likely benign or benign based on one or more of the following criteria: it is a conservative change, it occurs at a poorly conserved position in the protein, it is predicted to be benign by multiple in silico algorithms, and/or has population frequency not consistent with disease.

Breakthrough Genomics
Classification: Likely benign. Review status: criteria provided, single submitter. Criteria: ACMG Guidelines, 2015. Collection method: not provided. Allele origin: germline. Inheritance: Autosomal dominant inheritance. Affected: yes.